The following is an entry in ClinVar:

ClinVar aggregate classification (germline): Uncertain significance. Review status: criteria provided, multiple submitters, no conflicts (2 of 4 stars). 2 submissions from 2 submitters: Uncertain significance (2). Last evaluated 2025-03-22.

Allele frequency attached by ClinVar (database versions not stated): TOPMed 0.00004; gnomAD exomes 0.00004; gnomAD 0.00005; ExAC 0.00027.
gnomAD v4.1: 51 of 1,456,638 alleles (0.0035%); highest among the groups gnomAD compares: Non-Finnish European, 0.0046%; no homozygotes.

Submissions (2):

Labcorp Genetics (formerly Invitae), Labcorp
Classification: Uncertain significance. Last evaluated: 2025-03-22. Review status: criteria provided, single submitter. Criteria: Invitae Variant Classification Sherloc (09022015). Collection method: clinical testing. Allele origin: germline.
Comment: This sequence change replaces glutamine, which is neutral and polar, with lysine, which is basic and polar, at codon 471 of the ACAN protein (p.Gln471Lys). This variant is present in population databases (rs759209767, gnomAD 0.01%). This variant has not been reported in the literature in individuals affected with ACAN-related conditions. ClinVar contains an entry for this variant (Variation ID: 2430544). Invitae Evidence Modeling of protein sequence and biophysical properties (such as structural, functional, and spatial information, amino acid conservation, physicochemical variation, residue mobility, and thermodynamic stability) indicates that this missense variant is not expected to disrupt ACAN protein function with a negative predictive value of 80%. In summary, the available evidence is currently insufficient to determine the role of this variant in disease. Therefore, it has been classified as a Variant of Uncertain Significance.

GeneDx
Classification: Uncertain significance. Last evaluated: 2022-08-24. Review status: criteria provided, single submitter. Criteria: GeneDx Variant Classification Process June 2021. Collection method: clinical testing. Allele origin: germline. Affected: yes.
Comment: In silico analysis supports that this missense variant does not alter protein structure/function; Has not been previously published as pathogenic or benign to our knowledge

NM_001369268.1(ACAN):c.1411C>A (p.Gln471Lys)

Gene: ACAN (aggrecan; plus strand). Cytogenetic location: 15q26.1.
Variant type: single nucleotide variant.
Coding change: c.1411C>A on transcript NM_001369268.1 (MANE Select); coding-DNA position 1411, C replaced by A.
Protein change: p.Gln471Lys; replaces glutamine 471 with lysine.
Molecular consequence: missense variant.
Genome position (GRCh38, 1-based): chr15:88,845,864, C>A. VCF-style: chr15-88845864-C-A. GRCh37 (hg19) VCF-style: chr15-89389095-C-A.
Other names: c.1411C>A, p.Gln471Lys (NM_001135.4, NM_001411096.1, NM_001411097.1 and 1 more transcripts); short protein forms Q471K.
Identifiers: ClinVar variation 2430544 (VCV002430544.4), dbSNP rs759209767, ClinGen allele CA7719536.